The following is an entry in ClinVar:

ClinVar aggregate classification (germline): Likely benign (1 of 4 stars; one submission).

gnomAD v4.1: 2 of 1,609,484 alleles (0.00012%); highest among the groups gnomAD compares: Non-Finnish European, 0.00017%; no homozygotes.

Submission:

CeGaT Center for Human Genetics Tuebingen
Classification: Likely benign. Last evaluated: 2025-03-01. Review status: criteria provided, single submitter. Criteria: CeGaT Center For Human Genetics Tuebingen Variant Classification Criteria Version 2. Collection method: clinical testing. Allele origin: germline. Affected: yes. Observed: 1 variant allele.
Comment: WASHC4: BP4, BP7

NM_015275.3(WASHC4):c.399C>T (p.Cys133=)

Gene: WASHC4 (WASH complex subunit 4; plus strand). Cytogenetic location: 12q23.3.
Variant type: single nucleotide variant.
Coding change: c.399C>T on transcript NM_015275.3 (MANE Select); coding-DNA position 399, C replaced by T.
Protein change: p.Cys133=; no amino-acid change (cysteine 133 retained).
Molecular consequence: synonymous variant.
Genome position (GRCh38, 1-based): chr12:105,115,692, C>T. VCF-style: chr12-105115692-C-T. GRCh37 (hg19) VCF-style: chr12-105509470-C-T.
Other names: c.399C>T, p.Cys133= (NM_001293640.2).
Identifiers: ClinVar variation 3778263 (VCV003778263.7).